The following is an entry in ClinVar:

NM_000503.6(EYA1):c.161C>T (p.Ser54Leu)

Gene: EYA1 (EYA transcriptional coactivator and phosphatase 1; minus strand). Cytogenetic location: 8q13.3.
Variant type: single nucleotide variant.
Coding change: c.161C>T on transcript NM_000503.6 (MANE Select); coding-DNA position 161, C replaced by T.
Protein change: p.Ser54Leu; replaces serine 54 with leucine.
Molecular consequence: missense variant. On other transcripts: 5 prime UTR variant (1).
Genome position (GRCh38, 1-based): chr8:71,334,138, G>A on the plus strand (C>T on the coding strand, the complement: EYA1 is on the minus strand). VCF-style: chr8-71334138-G-A. GRCh37 (hg19) VCF-style: chr8-72246373-G-A.
Other names: c.62C>T, p.Ser21Leu (NM_172060.4, NM_001411797.1); c.161C>T, p.Ser54Leu (NM_001288574.2, NM_001370334.1, NM_001370335.1 and 1 more transcripts); c.-124C>T (NM_001288575.2); c.248C>T, p.Ser83Leu (NM_001370333.1, NM_001370336.1, NM_172059.5); short protein forms S54L, S83L, S21L.
Identifiers: ClinVar variation 4748863 (VCV004748863.1).

ClinVar aggregate classification (germline): Uncertain significance (1 of 4 stars; one submission).

Conditions:
Melnick-Fraser syndrome (BOR). Also called: Branchiootorenal syndrome; Branchiootorenal Syndrome (BORS); Branchio-oto-renal syndrome. Identifiers: Orphanet 107, MedGen C0265234, MONDO:0007029.

Submission:

Labcorp Genetics (formerly Invitae), Labcorp
Classification: Uncertain significance for Melnick-Fraser syndrome. Last evaluated: 2025-04-22. Review status: criteria provided, single submitter. Criteria: Invitae Variant Classification Sherloc (09022015). Collection method: clinical testing. Allele origin: germline.
Comment: This sequence change replaces serine, which is neutral and polar, with leucine, which is neutral and non-polar, at codon 54 of the EYA1 protein (p.Ser54Leu). This variant is not present in population databases (gnomAD no frequency). This variant has not been reported in the literature in individuals affected with EYA1-related conditions. Invitae Evidence Modeling of protein sequence and biophysical properties (such as structural, functional, and spatial information, amino acid conservation, physicochemical variation, residue mobility, and thermodynamic stability) indicates that this missense variant is not expected to disrupt EYA1 protein function with a negative predictive value of 95%. In summary, the available evidence is currently insufficient to determine the role of this variant in disease. Therefore, it has been classified as a Variant of Uncertain Significance.